The following is an entry in ClinVar:

ClinVar aggregate classification (germline): Conflicting classifications of pathogenicity. Review status: criteria provided, conflicting classifications (1 of 4 stars). 3 submissions from 3 submitters: Uncertain significance (2); Likely benign (1). Last evaluated 2025-08-07.

Conditions:
Hereditary pancreatitis (PCTT). Also called: Hereditary chronic pancreatitis; PRSS1-Related Hereditary Pancreatitis. Identifiers: Orphanet 676, MedGen C0238339, MONDO:0008185, OMIM 167800.

Allele frequency attached by ClinVar (database versions not stated): gnomAD exomes below 0.00001; gnomAD 0.00001; ExAC 0.00012.

Submissions (3):

Ambry Genetics
Classification: Likely benign for Hereditary pancreatitis. Last evaluated: 2025-08-07. Review status: criteria provided, single submitter. Criteria: Ambry Variant Classification Scheme 2023. Collection method: clinical testing. Allele origin: germline.

Labcorp Genetics (formerly Invitae), Labcorp
Classification: Uncertain significance for Hereditary pancreatitis. Last evaluated: 2024-10-30. Review status: criteria provided, single submitter. Criteria: Invitae Variant Classification Sherloc (09022015). Collection method: clinical testing. Allele origin: germline.
Comment: This sequence change replaces methionine, which is neutral and non-polar, with leucine, which is neutral and non-polar, at codon 109 of the PRSS1 protein (p.Met109Leu). The frequency data for this variant in the population databases is considered unreliable, as metrics indicate poor data quality at this position in the gnomAD database. This variant has not been reported in the literature in individuals affected with PRSS1-related conditions. ClinVar contains an entry for this variant (Variation ID: 2503989). Invitae Evidence Modeling of protein sequence and biophysical properties (such as structural, functional, and spatial information, amino acid conservation, physicochemical variation, residue mobility, and thermodynamic stability) indicates that this missense variant is not expected to disrupt PRSS1 protein function with a negative predictive value of 80%. In summary, the available evidence is currently insufficient to determine the role of this variant in disease. Therefore, it has been classified as a Variant of Uncertain Significance.

Women's Health and Genetics/Laboratory Corporation of America, LabCorp
Classification: Uncertain significance. Last evaluated: 2023-04-05. Review status: criteria provided, single submitter. Criteria: LabCorp Variant Classification Summary - May 2015. Collection method: clinical testing. Allele origin: germline.

NM_002769.5(PRSS1):c.325A>C (p.Met109Leu)

Genes: PRSS1 (serine protease 1; plus strand), TRB (T cell receptor beta locus; plus strand). Cytogenetic location: 7q34.
Variant type: single nucleotide variant.
Coding change: c.325A>C on transcript NM_002769.5 (MANE Select); coding-DNA position 325, A replaced by C.
Protein change: p.Met109Leu; replaces methionine 109 with leucine.
Molecular consequence: missense variant. On other transcripts: non-coding transcript variant (4).
Genome position (GRCh38, 1-based): chr7:142,751,898, A>C. VCF-style: chr7-142751898-A-C. GRCh37 (hg19) VCF-style: chr7-142459749-A-C.
Other names: c.325A>C (NM_002769.4); short protein forms M109L.
Identifiers: ClinVar variation 2503989 (VCV002503989.4), dbSNP rs201165989, ClinGen allele CA4529924.
Genomic context (GRCh38, chr7:142,751,898, plus strand): 5'-AATGCAGCCAAGATCATCCGCCACCCCCAATACGACAGGAAGACTCTGAACAATGACATC[A>C]TGTTAATCAAGCTCTCCTCACGTGCAGTAATCAACGCCCGCGTGTCCACCATCTCTCTGC-3'
Protein context (NP_002760.1, residues 99-119): YDRKTLNNDI[Met109Leu]LIKLSSRAVI